The following is an entry in ClinVar:

NM_004807.3(HS6ST1):c.985G>A (p.Val329Met)

Gene: HS6ST1 (heparan sulfate 6-O-sulfotransferase 1; minus strand). Cytogenetic location: 2q14.3.
Variant type: single nucleotide variant.
Coding change: c.985G>A on transcript NM_004807.3 (MANE Select); coding-DNA position 985, G replaced by A.
Protein change: p.Val329Met; replaces valine 329 with methionine.
Molecular consequence: missense variant.
Genome position (GRCh38, 1-based): chr2:128,268,413, C>T on the plus strand (G>A on the coding strand, the complement: HS6ST1 is on the minus strand). VCF-style: chr2-128268413-C-T. GRCh37 (hg19) VCF-style: chr2-129025987-C-T.
Other names: short protein forms V329M.
Identifiers: ClinVar variation 2761570 (VCV002761570.3), dbSNP rs771013218, ClinGen allele CA55462450.

ClinVar aggregate classification (germline): Uncertain significance (1 of 4 stars; one submission).

Allele frequency attached by ClinVar (database versions not stated): gnomAD exomes 0.00001.
gnomAD v4.1: 8 of 1,613,654 alleles (0.0005%); highest among the groups gnomAD compares: Non-Finnish European, 0.00059%; no homozygotes.

Submission:

Labcorp Genetics (formerly Invitae), Labcorp
Classification: Uncertain significance. Last evaluated: 2025-03-31. Review status: criteria provided, single submitter. Criteria: Invitae Variant Classification Sherloc (09022015). Collection method: clinical testing. Allele origin: germline.
Comment: This sequence change replaces valine, which is neutral and non-polar, with methionine, which is neutral and non-polar, at codon 329 of the HS6ST1 protein (p.Val329Met). This variant is not present in population databases (gnomAD no frequency). This variant has not been reported in the literature in individuals affected with HS6ST1-related conditions. ClinVar contains an entry for this variant (Variation ID: 2761570). Invitae Evidence Modeling of protein sequence and biophysical properties (such as structural, functional, and spatial information, amino acid conservation, physicochemical variation, residue mobility, and thermodynamic stability) indicates that this missense variant is not expected to disrupt HS6ST1 protein function with a negative predictive value of 80%. In summary, the available evidence is currently insufficient to determine the role of this variant in disease. Therefore, it has been classified as a Variant of Uncertain Significance.